The following is an entry in ClinVar:

NM_004655.4(AXIN2):c.2379G>C (p.Glu793Asp)

Gene: AXIN2 (axin 2; minus strand). Cytogenetic location: 17q24.1.
Variant type: single nucleotide variant.
Coding change: c.2379G>C on transcript NM_004655.4 (MANE Select); coding-DNA position 2379, G replaced by C.
Protein change: p.Glu793Asp; replaces glutamic acid 793 with aspartic acid.
Molecular consequence: missense variant.
Genome position (GRCh38, 1-based): chr17:65,533,938, C>G on the plus strand (G>C on the coding strand, the complement: AXIN2 is on the minus strand). VCF-style: chr17-65533938-C-G. GRCh37 (hg19) VCF-style: chr17-63530056-C-G.
Other names: c.2184G>C, p.Glu728Asp (NM_001363813.1); short protein forms E793D, E728D.
Identifiers: ClinVar variation 950630 (VCV000950630.10), dbSNP rs1367633896, ClinGen allele CA400675374.

ClinVar aggregate classification (germline): Uncertain significance. Review status: criteria provided, multiple submitters, no conflicts (2 of 4 stars). 2 submissions from 2 submitters: Uncertain significance (2). Last evaluated 2023-11-30.

Conditions:
Oligodontia-cancer predisposition syndrome. Also called: TOOTH AGENESIS-COLORECTAL CANCER SYNDROME. Identifiers: Orphanet 300576, MedGen C1837750, MONDO:0012075, OMIM 608615. Disease mechanism: loss of function.

Submissions (2):

GeneDx
Classification: Uncertain significance. Last evaluated: 2023-11-30. Review status: criteria provided, single submitter. Criteria: GeneDx Variant Classification Process June 2021. Collection method: clinical testing. Allele origin: germline. Affected: yes.
Comment: Not observed at significant frequency in large population cohorts (gnomAD); In silico analysis supports that this missense variant does not alter protein structure/function; Has not been previously published as pathogenic or benign to our knowledge; This variant is associated with the following publications: (PMID: 15735151)

Labcorp Genetics (formerly Invitae), Labcorp
Classification: Uncertain significance for Oligodontia-cancer predisposition syndrome. Last evaluated: 2020-01-23. Review status: criteria provided, single submitter. Criteria: Invitae Variant Classification Sherloc (09022015). Collection method: clinical testing. Allele origin: germline.
Comment: In summary, the available evidence is currently insufficient to determine the role of this variant in disease. Therefore, it has been classified as a Variant of Uncertain Significance. Algorithms developed to predict the effect of missense changes on protein structure and function (SIFT, PolyPhen-2, Align-GVGD) all suggest that this variant is likely to be tolerated, but these predictions have not been confirmed by published functional studies and their clinical significance is uncertain. This sequence change replaces glutamic acid with aspartic acid at codon 793 of the AXIN2 protein (p.Glu793Asp). The glutamic acid residue is highly conserved and there is a small physicochemical difference between glutamic acid and aspartic acid. This variant is not present in population databases (ExAC no frequency). This variant has not been reported in the literature in individuals with AXIN2-related conditions.